The following is an entry in ClinVar:

ClinVar aggregate classification (germline): Uncertain significance. Review status: criteria provided, multiple submitters, no conflicts (2 of 4 stars). 4 submissions from 4 submitters: Uncertain significance (4). Last evaluated 2024-12-27.

Conditions:
Hereditary cancer-predisposing syndrome. Also called: Neoplastic Syndromes, Hereditary; Tumor predisposition; Hereditary Cancer Syndrome; Hereditary neoplastic syndrome. Identifiers: Orphanet 140162, MedGen C0027672, MeSH D009386, MONDO:0015356.
Nijmegen breakage syndrome-like disorder (NBSLD). Also called: MICROCEPHALY AND SPONTANEOUS CHROMOSOME INSTABILITY WITHOUT IMMUNODEFICIENCY; NBS-LIKE DISORDER; RAD50 DEFICIENCY. Identifiers: Orphanet 240760, MedGen C2751318, MONDO:0013118, OMIM 613078.
Familial cancer of breast. Also called: hereditary breast carcinoma; Hereditary breast cancer; BREAST CANCER, FAMILIAL. Identifiers: Orphanet 227535, MedGen C0346153, MONDO:0016419, OMIM 114480. Disease mechanism: loss of function.

Allele frequency attached by ClinVar (database versions not stated): gnomAD 0.00001; gnomAD exomes 0.00001.
gnomAD v4.1: 9 of 1,611,958 alleles (0.00056%); highest among the groups gnomAD compares: African/African-American, 0.0013%; no homozygotes.

Submissions (4):

Ambry Genetics
Classification: Uncertain significance for Hereditary cancer-predisposing syndrome. Last evaluated: 2024-12-27. Review status: criteria provided, single submitter. Criteria: Ambry Variant Classification Scheme 2023. Collection method: clinical testing. Allele origin: germline.
Comment: The p.H326R variant (also known as c.977A>G), located in coding exon 7 of the RAD50 gene, results from an A to G substitution at nucleotide position 977. The histidine at codon 326 is replaced by arginine, an amino acid with highly similar properties. This amino acid position is poorly conserved in available vertebrate species. In addition, this alteration is predicted to be tolerated by in silico analysis. Since supporting evidence is limited at this time, the clinical significance of this alteration remains unclear.

KCCC/NGS Laboratory, Kuwait Cancer Control Center
Classification: Uncertain significance for Familial cancer of breast. Last evaluated: 2024-07-31. Review status: criteria provided, single submitter. Criteria: ACMG Guidelines, 2015. Collection method: clinical testing. Allele origin: germline. Inheritance: Autosomal dominant inheritance. Affected: yes. Observed: 1 heterozygote.
Comment: This sequence change replaces histidine, which is basic and polar, with arginine, which is basic and polar, at codon 326 of the RAD50 protein (p.His326Arg). This amino acid position is poorly conserved. This variant is present in population databases (no rsID available, gnomAD 0.01%). this alteration is predicted to be tolerated by in silico analysis. ClinVar contains an entry for this variant (Variation ID: 457494). This variant has not been reported in the literature in individuals affected with RAD50-related conditions. In addition, this alteration is predicted to be tolerated by in silico analysis.. In summary, the available evidence is currently insufficient to determine the role of this variant in disease. Therefore, it has been classified as a Variant of Uncertain Significance.

Baylor Genetics
Classification: Uncertain significance for Nijmegen breakage syndrome-like disorder. Last evaluated: 2023-10-26. Review status: criteria provided, single submitter. Criteria: ACMG Guidelines, 2015. Collection method: clinical testing. Allele origin: unknown.

Labcorp Genetics (formerly Invitae), Labcorp
Classification: Uncertain significance for Hereditary cancer-predisposing syndrome. Last evaluated: 2022-12-29. Review status: criteria provided, single submitter. Criteria: Invitae Variant Classification Sherloc (09022015). Collection method: clinical testing. Allele origin: germline.
Comment: Advanced modeling of protein sequence and biophysical properties (such as structural, functional, and spatial information, amino acid conservation, physicochemical variation, residue mobility, and thermodynamic stability) performed at Invitae indicates that this missense variant is not expected to disrupt RAD50 protein function. In summary, the available evidence is currently insufficient to determine the role of this variant in disease. Therefore, it has been classified as a Variant of Uncertain Significance. ClinVar contains an entry for this variant (Variation ID: 457494). This variant has not been reported in the literature in individuals affected with RAD50-related conditions. This variant is present in population databases (no rsID available, gnomAD 0.01%). This sequence change replaces histidine, which is basic and polar, with arginine, which is basic and polar, at codon 326 of the RAD50 protein (p.His326Arg).

NM_005732.4(RAD50):c.977A>G (p.His326Arg)

Gene: RAD50 (RAD50 double strand break repair protein; plus strand). Cytogenetic location: 5q31.1.
Variant type: single nucleotide variant.
Coding change: c.977A>G on transcript NM_005732.4 (MANE Select); coding-DNA position 977, A replaced by G.
Protein change: p.His326Arg; replaces histidine 326 with arginine.
Molecular consequence: missense variant.
Genome position (GRCh38, 1-based): chr5:132,588,015, A>G. VCF-style: chr5-132588015-A-G. GRCh37 (hg19) VCF-style: chr5-131923707-A-G.
Other names: short protein forms H326R.
Identifiers: ClinVar variation 457494 (VCV000457494.20), dbSNP rs1379211444, ClinGen allele CA360941253.